The following is an entry in ClinVar:

ClinVar aggregate classification (germline): Uncertain significance (1 of 4 stars; one submission).

gnomAD v4.1: 3 of 1,613,432 alleles (0.00019%); highest among the groups gnomAD compares: African/African-American, 0.004%; no homozygotes.

Submission:

Labcorp Genetics (formerly Invitae), Labcorp
Classification: Uncertain significance. Last evaluated: 2022-06-05. Review status: criteria provided, single submitter. Criteria: Invitae Variant Classification Sherloc (09022015). Collection method: clinical testing. Allele origin: germline.
Comment: This variant is not present in population databases (gnomAD no frequency). This sequence change replaces proline, which is neutral and non-polar, with leucine, which is neutral and non-polar, at codon 470 of the AUTS2 protein (p.Pro470Leu). This variant has not been reported in the literature in individuals affected with AUTS2-related conditions. In summary, the available evidence is currently insufficient to determine the role of this variant in disease. Therefore, it has been classified as a Variant of Uncertain Significance. Algorithms developed to predict the effect of missense changes on protein structure and function are either unavailable or do not agree on the potential impact of this missense change (SIFT: "Deleterious"; PolyPhen-2: "Possibly Damaging"; Align-GVGD: "Class C0").

NM_015570.4(AUTS2):c.1409C>T (p.Pro470Leu)

Gene: AUTS2 (activator of transcription and developmental regulator AUTS2; plus strand). Cytogenetic location: 7q11.22.
Variant type: single nucleotide variant.
Coding change: c.1409C>T on transcript NM_015570.4 (MANE Select); coding-DNA position 1409, C replaced by T.
Protein change: p.Pro470Leu; replaces proline 470 with leucine.
Molecular consequence: missense variant.
Genome position (GRCh38, 1-based): chr7:70,764,946, C>T. VCF-style: chr7-70764946-C-T. GRCh37 (hg19) VCF-style: chr7-70229932-C-T.
Other names: c.1409C>T, p.Pro470Leu (NM_001127231.3); short protein forms P470L.
Identifiers: ClinVar variation 2002464 (VCV002002464.4), dbSNP rs2484666826, ClinGen allele CA367668505.